The following is an entry in ClinVar:

NM_000821.7(GGCX):c.950G>A (p.Arg317Gln)

Gene: GGCX (gamma-glutamyl carboxylase; minus strand). Cytogenetic location: 2p11.2.
Variant type: single nucleotide variant.
Coding change: c.950G>A on transcript NM_000821.7 (MANE Select); coding-DNA position 950, G replaced by A.
Protein change: p.Arg317Gln; replaces arginine 317 with glutamine.
Molecular consequence: missense variant.
Genome position (GRCh38, 1-based): chr2:85,553,437, C>T on the plus strand (G>A on the coding strand, the complement: GGCX is on the minus strand). VCF-style: chr2-85553437-C-T. GRCh37 (hg19) VCF-style: chr2-85780560-C-T.
Other names: c.779G>A, p.Arg260Gln (NM_001142269.4); short protein forms R260Q, R317Q.
Identifiers: ClinVar variation 1367050 (VCV001367050.4), dbSNP rs375332039, ClinGen allele CA1741962.

ClinVar aggregate classification (germline): Uncertain significance (1 of 4 stars; one submission).

Allele frequency attached by ClinVar (database versions not stated): ExAC 0.00002; gnomAD exomes 0.00004 and 0.00009; ESP Exome Variant Server 0.00008; gnomAD 0.00008 and 0.00009; TOPMed 0.00008.
gnomAD v4.1: 148 of 1,613,830 alleles (0.0092%); highest among the groups gnomAD compares: Non-Finnish European, 0.011%; no homozygotes.

Submission:

Labcorp Genetics (formerly Invitae), Labcorp
Classification: Uncertain significance. Last evaluated: 2023-11-18. Review status: criteria provided, single submitter. Criteria: Invitae Variant Classification Sherloc (09022015). Collection method: clinical testing. Allele origin: germline.
Comment: This sequence change replaces arginine, which is basic and polar, with glutamine, which is neutral and polar, at codon 317 of the GGCX protein (p.Arg317Gln). This variant is present in population databases (rs375332039, gnomAD 0.006%). This variant has not been reported in the literature in individuals affected with GGCX-related conditions. ClinVar contains an entry for this variant (Variation ID: 1367050). An algorithm developed to predict the effect of missense changes on protein structure and function (PolyPhen-2) suggests that this variant is likely to be disruptive. In summary, the available evidence is currently insufficient to determine the role of this variant in disease. Therefore, it has been classified as a Variant of Uncertain Significance.